The following is an entry in ClinVar:

NM_007325.5(GRIA3):c.1994T>C (p.Ile665Thr)

Gene: GRIA3 (glutamate ionotropic receptor AMPA type subunit 3; plus strand). Cytogenetic location: Xq25.
Variant type: single nucleotide variant.
Coding change: c.1994T>C on transcript NM_007325.5 (MANE Select); coding-DNA position 1994, T replaced by C.
Protein change: p.Ile665Thr; replaces isoleucine 665 with threonine.
Molecular consequence: missense variant.
Genome position (GRCh38, 1-based): chrX:123,428,057, T>C. VCF-style: chrX-123428057-T-C. GRCh37 (hg19) VCF-style: chrX-122561908-T-C.
Other names: c.1994T>C, p.Ile665Thr (NM_000828.5); short protein forms I665T.
Identifiers: ClinVar variation 1704977 (VCV001704977.4), dbSNP rs2521237833, ClinGen allele CA414259973.

ClinVar aggregate classification (germline): Conflicting classifications of pathogenicity. Review status: criteria provided, conflicting classifications (1 of 4 stars). 2 submissions from 2 submitters: Pathogenic (1); Uncertain significance (1). Last evaluated 2025-12-09.

Conditions:
Syndromic X-linked intellectual disability 94 (MRXSW). Also called: MENTAL RETARDATION, X-LINKED, SYNDROMIC 29; X-linked intellectual disability due to GRIA3 anomalies. Identifiers: Orphanet 364028, MedGen C2678051, MONDO:0010402, OMIM 300699.

Submissions (2):

3billion
Classification: Uncertain significance for Syndromic X-linked intellectual disability 94. Last evaluated: 2025-12-09. Review status: criteria provided, single submitter. Criteria: ACMG Guidelines, 2015. Collection method: clinical testing. Allele origin: germline. Affected: yes.
Comment: The variant is not observed in the gnomAD v4.1.0 dataset. Predicted Consequence/Location: Missense variant. Missense changes are a common disease-causing mechanism. In silico tool predictions suggest damaging effect of the variant on gene or gene product [REVEL: 0.79 (>=0.6, sensitivity 0.68 and specificity 0.92); 3Cnet: 0.99 (> 0.75, sensitivity 0.96 and precision 0.92)]. The same nucleotide change resulting in the same amino acid change has been previously reported to be associated with GRIA3-related disorder (ClinVar ID: VCV001704977). Therefore, this variant is classified as VUS according to the recommendation of ACMG/AMP guideline.

GeneDx
Classification: Pathogenic. Last evaluated: 2022-09-09. Review status: criteria provided, single submitter. Criteria: GeneDx Variant Classification Process June 2021. Collection method: clinical testing. Allele origin: germline. Affected: yes.
Comment: Not observed in large population cohorts (gnomAD); In silico analysis, which includes protein predictors and evolutionary conservation, supports a deleterious effect; Has not been previously published as pathogenic or benign to our knowledge